The following is an entry in ClinVar:

NM_001013672.5(LIAT1):c.748G>A (p.Glu250Lys)

Genes: LIAT1 (ligand of ATE1; plus strand), LOC105371430 (uncharacterized LOC105371430; minus strand). Cytogenetic location: 17p13.3.
Variant type: single nucleotide variant.
Coding change: c.748G>A on transcript NM_001013672.5 (MANE Select); coding-DNA position 748, G replaced by A.
Protein change: p.Glu250Lys; replaces glutamic acid 250 with lysine.
Molecular consequence: missense variant.
Genome position (GRCh38, 1-based): chr17:413,591, G>A. VCF-style: chr17-413591-G-A. GRCh37 (hg19) VCF-style: chr17-263382-G-A.
Other names: short protein forms E250K.
Identifiers: ClinVar variation 2647158 (VCV002647158.24), dbSNP rs201596776, ClinGen allele CA8260705.
Genomic context (GRCh38, chr17:413,591, plus strand): 5'-GAGGCCCTCAAGGGCTTCCACCCCGACCCCGAGGCCCTCAAGGGCATCCACCCCGACCCC[G>A]AGGCTCTCAAGGGCTTCCACCCCGACCCCGAGGCCCTCAAGGGCTTCCACCCCGACCCTG-3'
Protein context (NP_001013694.4, residues 240-260): EALKGIHPDP[Glu250Lys]ALKGFHPDPE

ClinVar aggregate classification (germline): Likely benign (1 of 4 stars; one submission).

Allele frequency attached by ClinVar (database versions not stated): ESP Exome Variant Server 0.00033; gnomAD 0.00207; ExAC 0.00213; 1000 Genomes Project 0.00459.
gnomAD v4.1: 1,510 of 1,425,602 alleles (0.11%); highest among the groups gnomAD compares: African/African-American, 0.33%; 177 homozygotes.

Submission:

CeGaT Center for Human Genetics Tuebingen
Classification: Likely benign. Last evaluated: 2023-12-01. Review status: criteria provided, single submitter. Criteria: CeGaT Center For Human Genetics Tuebingen Variant Classification Criteria Version 2. Collection method: clinical testing. Allele origin: germline. Affected: yes. Observed: 2 variant alleles.
Comment: LIAT1: BP4, BS2